The following is an entry in ClinVar:

NM_001851.6(COL9A1):c.1154G>T (p.Gly385Val)

Genes: COL9A1 (collagen type IX alpha 1 chain; minus strand), LOC129996692 (ATAC-STARR-seq lymphoblastoid active region 24730; plus strand). Cytogenetic location: 6q13.
Variant type: single nucleotide variant.
Coding change: c.1154G>T on transcript NM_001851.6 (MANE Select); coding-DNA position 1154, G replaced by T.
Protein change: p.Gly385Val; replaces glycine 385 with valine.
Molecular consequence: missense variant. On other transcripts: non-coding transcript variant (1).
Genome position (GRCh38, 1-based): chr6:70,270,357, C>A on the plus strand (G>T on the coding strand, the complement: COL9A1 is on the minus strand). VCF-style: chr6-70270357-C-A. GRCh37 (hg19) VCF-style: chr6-70980060-C-A.
Other names: NC_000006.11:g.70980060C>A; c.425G>T, p.Gly142Val (NM_001377289.1, NM_001377290.1, NM_078485.4); short protein forms G142V, G385V.
Identifiers: ClinVar variation 2502654 (VCV002502654.2), dbSNP rs2483397655, ClinGen allele CA364681291.

ClinVar aggregate classification (germline): Uncertain significance (1 of 4 stars; one submission).

Submissions (2):

GeneDx
Classification: Uncertain significance. Last evaluated: 2022-11-10. Review status: criteria provided, single submitter. Criteria: GeneDx Variant Classification Process June 2021. Collection method: clinical testing. Allele origin: germline. Affected: yes.
Comment: Not observed at significant frequency in large population cohorts (gnomAD); In silico analysis supports that this missense variant has a deleterious effect on protein structure/function; Has not been previously published as pathogenic or benign to our knowledge

Dr. Peter K. Rogan Lab, Western University
No classification provided (evidence only). Condition: Melanoma. Review status: no classification provided. Collection method: in vitro. Allele origin: not applicable. Functional consequence: retained intron. Not counted in ClinVar's aggregate classification.